The following is an entry in ClinVar:

NM_001199107.2(TBC1D24):c.*1575C>T

Gene: TBC1D24 (TBC1 domain family member 24; plus strand). Cytogenetic location: 16p13.3.
Variant type: single nucleotide variant.
Coding change: c.*1575C>T on transcript NM_001199107.2 (MANE Select); 1575 bases downstream of the stop codon, C replaced by T.
Molecular consequence: 3 prime UTR variant.
Genome position (GRCh38, 1-based): chr16:2,502,533, C>T. VCF-style: chr16-2502533-C-T. GRCh37 (hg19) VCF-style: chr16-2552534-C-T.
Other names: c.*1575C>T (NM_020705.3).
Identifiers: ClinVar variation 318645 (VCV000318645.6), dbSNP rs4786286, ClinGen allele CA10643296.

ClinVar aggregate classification (germline): Benign. Review status: criteria provided, multiple submitters, no conflicts (2 of 4 stars). 2 submissions from 2 submitters: Benign (2). Last evaluated 2018-01-13.

Conditions:
Familial infantile myoclonic epilepsy (FIME). Also called: TBC1D24-Related Familial Infantile Myoclonic Epilepsy (FIME); Epilepsy, Myoclonic, Infantile. Identifiers: Orphanet 352582, MedGen C0917800, MONDO:0011506, OMIM 605021.

Allele frequency attached by ClinVar (database versions not stated): gnomAD 0.02356 and 0.02254; 1000 Genomes Project 30x 0.03389; gnomAD exomes 0.02151; TOPMed 0.02961; 1000 Genomes Project 0.03335.
gnomAD v4.1: 3,596 of 152,700 alleles (2.4%); highest among the groups gnomAD compares: Admixed American, 8%; 100 homozygotes.

Submissions (2):

Illumina Laboratory Services, Illumina
Classification: Benign for Familial infantile myoclonic epilepsy. Last evaluated: 2018-01-13. Review status: criteria provided, single submitter. Criteria: ICSL Variant Classification Criteria 13 December 2019. Collection method: clinical testing. Allele origin: germline.
Comment: This variant was observed in the ICSL laboratory as part of a predisposition screen in an ostensibly healthy population. It had not been previously curated by ICSL or reported in the Human Gene Mutation Database (HGMD: prior to June 1st, 2018), and was therefore a candidate for classification through an automated scoring system. Utilizing variant allele frequency, disease prevalence and penetrance estimates, and inheritance mode, an automated score was calculated to assess if this variant is too frequent to cause the disease. Based on the score and internal cut-off values, a variant classified as benign is not then subjected to further curation. The score for this variant resulted in a classification of benign for this disease.

Breakthrough Genomics
Classification: Benign. Review status: criteria provided, single submitter. Criteria: ACMG Guidelines, 2015. Collection method: not provided. Allele origin: germline. Inheritance: Autosomal recessive inheritance. Affected: yes.